The following is an entry in ClinVar:

NM_003803.4(MYOM1):c.2944A>T (p.Lys982Ter)

Gene: MYOM1 (myomesin 1; minus strand). Cytogenetic location: 18p11.31.
Variant type: single nucleotide variant.
Coding change: c.2944A>T on transcript NM_003803.4 (MANE Select); coding-DNA position 2944, A replaced by T.
Protein change: p.Lys982Ter; replaces lysine 982 with a stop codon.
Molecular consequence: nonsense.
Genome position (GRCh38, 1-based): chr18:3,126,748, T>A on the plus strand (A>T on the coding strand, the complement: MYOM1 is on the minus strand). VCF-style: chr18-3126748-T-A. GRCh37 (hg19) VCF-style: chr18-3126746-T-A.
Other names: c.2656A>T, p.Lys886Ter (NM_019856.2); short protein forms K886*, K982*.
Identifiers: ClinVar variation 4739036 (VCV004739036.1).
Genomic context (GRCh38, chr18:3,126,748, plus strand): 5'-GTCACGTGCTTACCTTGTATGCCTCCTCACTGACAGCCTTGACATTGGCTTCTCTCCATT[T>A]TCCTGGTACCCCATCAATGACCTCGCGATAGTTCACATAATAGCCAGTAATTTCTGCCCC-3'

ClinVar aggregate classification (germline): Uncertain significance (1 of 4 stars; one submission).

Conditions:
Hypertrophic cardiomyopathy. Also called: HYPERTROPHIC MYOCARDIOPATHY. Identifiers: Orphanet 217569, MedGen C0007194, MeSH D002312, MONDO:0005045, HP:0001639.

Submission:

Labcorp Genetics (formerly Invitae), Labcorp
Classification: Uncertain significance for Hypertrophic cardiomyopathy. Last evaluated: 2026-01-20. Review status: criteria provided, single submitter. Criteria: Invitae Variant Classification Sherloc (09022015). Collection method: clinical testing. Allele origin: germline.
Comment: This sequence change creates a premature translational stop signal (p.Lys982*) in the MYOM1 gene. It is expected to result in an absent or disrupted protein product. However, the current clinical and genetic evidence is not sufficient to establish whether loss-of-function variants in MYOM1 cause disease. This variant is not present in population databases (gnomAD no frequency). This variant has not been reported in the literature in individuals affected with MYOM1-related conditions. In summary, the available evidence is currently insufficient to determine the role of this variant in disease. Therefore, it has been classified as a Variant of Uncertain Significance.